The following is an entry in ClinVar:

ClinVar aggregate classification (germline): Uncertain significance. Review status: criteria provided, multiple submitters, no conflicts (2 of 4 stars). 2 submissions from 2 submitters: Uncertain significance (2). Last evaluated 2024-08-27.

Conditions:
Inborn genetic diseases. Identifiers: MedGen C0950123, MeSH D030342.
Nephronophthisis 16 (NPHP16). Identifiers: Orphanet 655, MedGen C3809320, MONDO:0014158, OMIM 615382.

Allele frequency attached by ClinVar (database versions not stated): gnomAD 0.00001 and 0.00004; gnomAD exomes 0.00002 and 0.00004; ExAC 0.00003; TOPMed 0.00003.
gnomAD v4.1: 38 of 1,612,688 alleles (0.0024%); highest among the groups gnomAD compares: South Asian, 0.0033%; 1 homozygote.

Submissions (2):

Ambry Genetics
Classification: Uncertain significance for Inborn genetic diseases. Last evaluated: 2024-08-27. Review status: criteria provided, single submitter. Criteria: Ambry Variant Classification Scheme 2023. Collection method: clinical testing. Allele origin: germline.

Labcorp Genetics (formerly Invitae), Labcorp
Classification: Uncertain significance for Nephronophthisis 16. Last evaluated: 2018-12-11. Review status: criteria provided, single submitter. Criteria: Invitae Variant Classification Sherloc (09022015). Collection method: clinical testing. Allele origin: germline.
Comment: This sequence change replaces alanine with threonine at codon 835 of the ANKS6 protein (p.Ala835Thr). The alanine residue is highly conserved and there is a small physicochemical difference between alanine and threonine. This variant is present in population databases (rs765164797, ExAC 0.01%), including at least one homozygous and/or hemizygous individual. This variant has not been reported in the literature in individuals with ANKS6-related conditions. Algorithms developed to predict the effect of missense changes on protein structure and function are either unavailable or do not agree on the potential impact of this missense change (SIFT: "Tolerated"; PolyPhen-2: "Probably Damaging"; Align-GVGD: "Class C0"). In summary, the available evidence is currently insufficient to determine the role of this variant in disease. Therefore, it has been classified as a Variant of Uncertain Significance.

NM_173551.5(ANKS6):c.2503G>A (p.Ala835Thr)

Gene: ANKS6 (ankyrin repeat and sterile alpha motif domain containing 6; minus strand). Cytogenetic location: 9q22.33.
Variant type: single nucleotide variant.
Coding change: c.2503G>A on transcript NM_173551.5 (MANE Select); coding-DNA position 2503, G replaced by A.
Protein change: p.Ala835Thr; replaces alanine 835 with threonine.
Molecular consequence: missense variant.
Genome position (GRCh38, 1-based): chr9:98,745,567, C>T on the plus strand (G>A on the coding strand, the complement: ANKS6 is on the minus strand). VCF-style: chr9-98745567-C-T. GRCh37 (hg19) VCF-style: chr9-101507849-C-T.
Other names: c.2503G>A (NM_173551.3); short protein forms A835T.
Identifiers: ClinVar variation 640676 (VCV000640676.2), dbSNP rs765164797, ClinGen allele CA5153130.